The following is an entry in ClinVar:

ClinVar aggregate classification (germline): Conflicting classifications of pathogenicity. Review status: criteria provided, conflicting classifications (1 of 4 stars). 3 submissions from 3 submitters: Uncertain significance (2); Likely benign (1). Last evaluated 2025-11-13.

Conditions:
Primary ciliary dyskinesia. Also called: Ciliary dyskinesia. Identifiers: Orphanet 244, MedGen C0008780, MONDO:0016575, HP:0012265.

Allele frequency attached by ClinVar (database versions not stated): gnomAD exomes 0.00004; ExAC 0.00010; 1000 Genomes Project 30x 0.00016; 1000 Genomes Project 0.00020; gnomAD 0.00044; TOPMed 0.00063; ESP Exome Variant Server 0.00077.
gnomAD v4.1: 124 of 1,614,194 alleles (0.0077%); highest among the groups gnomAD compares: African/African-American, 0.14%; no homozygotes.

Submissions (3):

Labcorp Genetics (formerly Invitae), Labcorp
Classification: Likely benign for Primary ciliary dyskinesia. Last evaluated: 2025-11-13. Review status: criteria provided, single submitter. Criteria: Invitae Variant Classification Sherloc (09022015). Collection method: clinical testing. Allele origin: germline.

Blueprint Genetics
Classification: Uncertain significance. Last evaluated: 2024-10-16. Review status: criteria provided, single submitter. Criteria: ACMG Guidelines, 2015. Collection method: clinical testing. Allele origin: germline.

Ambry Genetics
Classification: Uncertain significance for Primary ciliary dyskinesia. Last evaluated: 2020-01-17. Review status: criteria provided, single submitter. Criteria: Ambry Variant Classification Scheme 2023. Collection method: clinical testing. Allele origin: germline.
Comment: The p.F437L variant (also known as c.1309T>C), located in coding exon 9 of the DNAI2 gene, results from a T to C substitution at nucleotide position 1309. The phenylalanine at codon 437 is replaced by leucine, an amino acid with highly similar properties. This amino acid position is poorly conserved in available vertebrate species. In addition, this alteration is predicted to be tolerated by in silico analysis. Since supporting evidence is limited at this time, the clinical significance of this alteration remains unclear.

NM_023036.6(DNAI2):c.1309T>C (p.Phe437Leu)

Gene: DNAI2 (dynein axonemal intermediate chain 2; plus strand). Cytogenetic location: 17q25.1.
Variant type: single nucleotide variant.
Coding change: c.1309T>C on transcript NM_023036.6 (MANE Select); coding-DNA position 1309, T replaced by C.
Protein change: p.Phe437Leu; replaces phenylalanine 437 with leucine.
Molecular consequence: missense variant. On other transcripts: non-coding transcript variant (1).
Genome position (GRCh38, 1-based): chr17:74,309,350, T>C. VCF-style: chr17-74309350-T-C. GRCh37 (hg19) VCF-style: chr17-72305489-T-C.
Other names: c.1309T>C, p.Phe437Leu (NM_001172810.3, NM_001353167.2); short protein forms F437L.
Identifiers: ClinVar variation 1769604 (VCV001769604.6), dbSNP rs150182125, ClinGen allele CA8745690.